The following is an entry in ClinVar:

NM_001256447.2(BCAP31):c.451A>G (p.Met151Val)

Gene: BCAP31 (B cell receptor associated protein 31; minus strand). Cytogenetic location: Xq28.
Variant type: single nucleotide variant.
Coding change: c.451A>G on transcript NM_001256447.2 (MANE Select); coding-DNA position 451, A replaced by G.
Protein change: p.Met151Val; replaces methionine 151 with valine.
Molecular consequence: missense variant.
Genome position (GRCh38, 1-based): chrX:153,703,985, T>C on the plus strand (A>G on the coding strand, the complement: BCAP31 is on the minus strand). VCF-style: chrX-153703985-T-C. GRCh37 (hg19) VCF-style: chrX-152969440-T-C.
Other names: c.451A>G, p.Met151Val (NM_001139441.1, NM_005745.8); c.652A>G, p.Met218Val (NM_001139457.2); short protein forms M151V, M218V.
Identifiers: ClinVar variation 2136299 (VCV002136299.1), dbSNP rs2522194730, ClinGen allele CA415093633.
Genomic context (GRCh38, chrX:153,703,985, plus strand): 5'-GACGCCCCATGGTGGGTCGGGAAGCTGGGCTCACCTTCTTGAGCTGGTCATTCTCCTCCA[T>C]GTACTTCTTGGCCGCCTCACTAGCACTCTCCGCCTGCTTTTTAAAGGCTTCATTGGAGGC-3'
Protein context (NP_001243376.1, residues 141-161): ESASEAAKKY[Met151Val]EENDQLKKGA

ClinVar aggregate classification (germline): Uncertain significance (1 of 4 stars; one submission).

Allele frequency attached by ClinVar (database versions not stated): gnomAD exomes below 0.00001.

Submission:

GeneDx
Classification: Uncertain significance. Last evaluated: 2023-01-10. Review status: criteria provided, single submitter. Criteria: GeneDx Variant Classification Process June 2021. Collection method: clinical testing. Allele origin: germline. Affected: yes.
Comment: Not observed at significant frequency in large population cohorts (gnomAD); In silico analysis supports that this missense variant does not alter protein structure/function; Has not been previously published as pathogenic or benign to our knowledge